The following is an entry in ClinVar:

ClinVar aggregate classification (germline): Benign. Review status: criteria provided, multiple submitters, no conflicts (2 of 4 stars). 5 submissions from 5 submitters: Benign (4). 1 of the submissions does not count toward it. Last evaluated 2026-02-01.

Conditions:
CNTNAP1-related disorder. Also called: CNTNAP1-related condition; CNTNAP1-related disease.

Allele frequency attached by ClinVar (database versions not stated): 1000 Genomes Project 0.03634; 1000 Genomes Project 30x 0.03810; ExAC 0.06469; gnomAD exomes 0.06826 and 0.06899; gnomAD 0.05594 and 0.05557; ESP Exome Variant Server 0.05221; TOPMed 0.05692.
gnomAD v4.1: 108,078 of 1,613,986 alleles (6.7%); highest among the groups gnomAD compares: Admixed American, 13%; 4,166 homozygotes.

Submissions (5):

Labcorp Genetics (formerly Invitae), Labcorp
Classification: Benign. Last evaluated: 2026-02-01. Review status: criteria provided, single submitter. Criteria: Invitae Variant Classification Sherloc (09022015). Collection method: clinical testing. Allele origin: germline.

GeneDx
Classification: Benign. Last evaluated: 2019-10-02. Review status: criteria provided, single submitter. Criteria: GeneDx Variant Classification Process June 2021. Collection method: clinical testing. Allele origin: germline. Affected: yes.

Mayo Clinic Laboratories, Mayo Clinic
Classification: Benign. Last evaluated: 2018-01-04. Review status: criteria provided, single submitter. Criteria: ACMG Guidelines, 2015. Collection method: clinical testing. Allele origin: germline. Observed: 225 variant alleles.

Breakthrough Genomics
Classification: Benign. Review status: criteria provided, single submitter. Criteria: ACMG Guidelines, 2015. Collection method: not provided. Allele origin: germline. Inheritance: Autosomal recessive inheritance. Affected: yes.

PreventionGenetics, part of Exact Sciences
Classification: Benign for CNTNAP1-related condition. Last evaluated: 2019-07-08. Review status: no assertion criteria provided. Collection method: clinical testing. Allele origin: germline. Not counted in ClinVar's aggregate classification.
Comment: This variant is classified as benign based on ACMG/AMP sequence variant interpretation guidelines (Richards et al. 2015 PMID: 25741868, with internal and published modifications).

NM_003632.3(CNTNAP1):c.2217-10G>T

Gene: CNTNAP1 (contactin associated protein 1; plus strand). Cytogenetic location: 17q21.2.
Variant type: single nucleotide variant.
Coding change: c.2217-10G>T on transcript NM_003632.3 (MANE Select); 10 bases into the intron before coding-DNA position 2217, G replaced by T.
Molecular consequence: intron variant.
Genome position (GRCh38, 1-based): chr17:42,691,374, G>T. VCF-style: chr17-42691374-G-T. GRCh37 (hg19) VCF-style: chr17-40843392-G-T.
Other names: p.?; c.2217-10G>T (NM_003632.2).
Identifiers: ClinVar variation 1166793 (VCV001166793.16), dbSNP rs874640, ClinGen allele CA8582001.